The following is an entry in ClinVar:

ClinVar aggregate classification (germline): Benign/Likely benign. Review status: criteria provided, multiple submitters, no conflicts (2 of 4 stars). 6 submissions from 6 submitters: Benign (4); Likely benign (1). 1 of the submissions does not count toward it. Last evaluated 2025-12-17.

Conditions:
Hyper-IgE recurrent infection syndrome 1, autosomal dominant. Also called: JOB SYNDROME; Hyper-IgE recurrent infection syndrome 1; HYPER-IgE SYNDROME 1, AUTOSOMAL DOMINANT, WITH RECURRENT INFECTIONS; Job's Syndrome; STAT3 Hyper IgE Syndrome. Identifiers: Orphanet 2314, MedGen C2936739, MONDO:0007818, OMIM 147060.
STAT3 gain of function. Identifiers: MedGen C4288261.
STAT3-related disorder. Also called: STAT3-related condition.

Allele frequency attached by ClinVar (database versions not stated): ESP Exome Variant Server 0.00008; gnomAD exomes 0.00014 and 0.00074; gnomAD 0.00023 and 0.00034; TOPMed 0.00029; ExAC 0.00066; 1000 Genomes Project 30x 0.00141; 1000 Genomes Project 0.00160.
gnomAD v4.1: 265 of 1,614,148 alleles (0.016%); highest among the groups gnomAD compares: East Asian, 0.51%; 2 homozygotes.

Submissions (6):

Labcorp Genetics (formerly Invitae), Labcorp
Classification: Benign for STAT3 gain of function; Hyper-IgE recurrent infection syndrome 1, autosomal dominant. Last evaluated: 2025-12-17. Review status: criteria provided, single submitter. Criteria: Invitae Variant Classification Sherloc (09022015). Collection method: clinical testing. Allele origin: germline.

Mayo Clinic Laboratories, Mayo Clinic
Classification: Benign. Last evaluated: 2025-05-28. Review status: criteria provided, single submitter. Criteria: ACMG Guidelines, 2015. Collection method: clinical testing. Allele origin: germline. Observed: 1 variant allele.
Comment: BA1, BP4, BP7

Blueprint Genetics
Classification: Likely benign. Last evaluated: 2024-11-21. Review status: criteria provided, single submitter. Criteria: ACMG Guidelines, 2015. Collection method: clinical testing. Allele origin: germline.

Women's Health and Genetics/Laboratory Corporation of America, LabCorp
Classification: Benign. Last evaluated: 2023-05-18. Review status: criteria provided, single submitter. Criteria: LabCorp Variant Classification Summary - May 2015. Collection method: clinical testing. Allele origin: germline.

Illumina Laboratory Services, Illumina
Classification: Benign for Hyper-IgE recurrent infection syndrome 1, autosomal dominant. Last evaluated: 2018-01-12. Review status: criteria provided, single submitter. Criteria: ICSL Variant Classification Criteria 13 December 2019. Collection method: clinical testing. Allele origin: germline.
Comment: This variant was observed in the ICSL laboratory as part of a predisposition screen in an ostensibly healthy population. It had not been previously curated by ICSL or reported in the Human Gene Mutation Database (HGMD: prior to June 1st, 2018), and was therefore a candidate for classification through an automated scoring system. Utilizing variant allele frequency, disease prevalence and penetrance estimates, and inheritance mode, an automated score was calculated to assess if this variant is too frequent to cause the disease. Based on the score and internal cut-off values, a variant classified as benign is not then subjected to further curation. The score for this variant resulted in a classification of benign for this disease.

PreventionGenetics, part of Exact Sciences
Classification: Likely benign for STAT3-related condition. Last evaluated: 2019-03-12. Review status: no assertion criteria provided. Collection method: clinical testing. Allele origin: germline. Not counted in ClinVar's aggregate classification.
Comment: This variant is classified as likely benign based on ACMG/AMP sequence variant interpretation guidelines (Richards et al. 2015 PMID: 25741868, with internal and published modifications).

NM_139276.3(STAT3):c.825T>G (p.Leu275=)

Gene: STAT3 (signal transducer and activator of transcription 3; minus strand). Cytogenetic location: 17q21.2.
Variant type: single nucleotide variant.
Coding change: c.825T>G on transcript NM_139276.3 (MANE Select); coding-DNA position 825, T replaced by G.
Protein change: p.Leu275=; no amino-acid change (leucine 275 retained).
Molecular consequence: synonymous variant.
Genome position (GRCh38, 1-based): chr17:42,334,022, A>C on the plus strand (T>G on the coding strand, the complement: STAT3 is on the minus strand). VCF-style: chr17-42334022-A-C. GRCh37 (hg19) VCF-style: chr17-40486040-A-C.
Other names: p.Leu275=; c.825T>G, p.Leu275= (NM_001369512.1, NM_001369513.1, NM_001369514.1 and 15 more transcripts); c.747T>G, p.Leu249= (NM_001384985.1); c.729T>G, p.Leu243= (NM_001384989.1).
Identifiers: ClinVar variation 725991 (VCV000725991.19), dbSNP rs200098006, ClinGen allele CA8575532.
Genomic context (GRCh38, chr17:42,334,022, plus strand): 5'-CCCTTTGTAGGAAACTTTTTGCTGCAACTCCTCCAGTTTCTTAATTTGTTGACGGGTCTG[A>C]AGTTGAGATTCTGCTAATGACGTTATCCTGCCAATAAATTAAGAAAGATGCTAATTACCA-3'
Protein context (NP_644805.1, residues 265-285): NWITSLAESQ[Leu275=]QTRQQIKKLE